The following is an entry in ClinVar:

NM_001365088.1(SLC12A6):c.1369A>T (p.Ile457Phe)

Gene: SLC12A6 (solute carrier family 12 member 6; minus strand). Cytogenetic location: 15q14.
Variant type: single nucleotide variant.
Coding change: c.1369A>T on transcript NM_001365088.1 (MANE Select); coding-DNA position 1369, A replaced by T.
Protein change: p.Ile457Phe; replaces isoleucine 457 with phenylalanine.
Molecular consequence: missense variant.
Genome position (GRCh38, 1-based): chr15:34,251,022, T>A on the plus strand (A>T on the coding strand, the complement: SLC12A6 is on the minus strand). VCF-style: chr15-34251022-T-A. GRCh37 (hg19) VCF-style: chr15-34543223-T-A.
Other names: c.1192A>T, p.Ile398Phe (NM_001042494.2, NM_001042495.2); c.1342A>T, p.Ile448Phe (NM_001042496.2); c.1324A>T, p.Ile442Phe (NM_001042497.2); c.1216A>T, p.Ile406Phe (NM_005135.2); c.1369A>T, p.Ile457Phe (NM_133647.2); short protein forms I398F, I406F, I442F, I448F, I457F.
Identifiers: ClinVar variation 991876 (VCV000991876.6), dbSNP rs751420584, ClinGen allele CA7464320.

ClinVar aggregate classification (germline): Uncertain significance. Review status: criteria provided, multiple submitters, no conflicts (2 of 4 stars). 4 submissions from 4 submitters: Uncertain significance (2). 2 of the submissions do not count toward it. Last evaluated 2025-02-20.

Conditions:
SLC12A6-related disorder. Also called: SLC12A6-related condition.
Agenesis of the corpus callosum with peripheral neuropathy (ACCPN). Also called: Hereditary Motor and Sensory Neuropathy with Agenesis of the Corpus Callosum; POLYNEUROPATHY, SENSORIMOTOR, WITH OR WITHOUT AGENESIS OF THE CORPUS CALLOSUM; HMSN/ACC; CHARLEVOIX DISEASE. Identifiers: Orphanet 1496, MedGen C0795950, MONDO:0000902, OMIM 218000. Disease mechanism: loss of function.

Allele frequency attached by ClinVar (database versions not stated): ExAC 0.00003; gnomAD exomes 0.00003 and 0.00005; gnomAD 0.00006.
gnomAD v4.1: 77 of 1,611,610 alleles (0.0048%); highest among the groups gnomAD compares: Non-Finnish European, 0.006%; no homozygotes.

Submissions (4):

GeneDx
Classification: Uncertain significance. Last evaluated: 2025-02-20. Review status: criteria provided, single submitter. Criteria: GeneDx Variant Classification Process June 2021. Collection method: clinical testing. Allele origin: germline. Affected: yes.
Comment: In silico analysis indicates that this missense variant does not alter protein structure/function; Has not been previously published as pathogenic or benign to our knowledge

Labcorp Genetics (formerly Invitae), Labcorp
Classification: Uncertain significance. Last evaluated: 2024-03-21. Review status: criteria provided, single submitter. Criteria: Invitae Variant Classification Sherloc (09022015). Collection method: clinical testing. Allele origin: germline.
Comment: This sequence change replaces isoleucine, which is neutral and non-polar, with phenylalanine, which is neutral and non-polar, at codon 457 of the SLC12A6 protein (p.Ile457Phe). This variant is present in population databases (rs751420584, gnomAD 0.006%). This variant has not been reported in the literature in individuals affected with SLC12A6-related conditions. ClinVar contains an entry for this variant (Variation ID: 991876). Advanced modeling of protein sequence and biophysical properties (such as structural, functional, and spatial information, amino acid conservation, physicochemical variation, residue mobility, and thermodynamic stability) performed at Invitae indicates that this missense variant is not expected to disrupt SLC12A6 protein function with a negative predictive value of 80%. In summary, the available evidence is currently insufficient to determine the role of this variant in disease. Therefore, it has been classified as a Variant of Uncertain Significance.

PreventionGenetics, part of Exact Sciences
Classification: Uncertain significance for SLC12A6-related condition. Last evaluated: 2023-12-05. Review status: no assertion criteria provided. Collection method: clinical testing. Allele origin: germline. Not counted in ClinVar's aggregate classification.
Comment: The SLC12A6 c.1369A>T variant is predicted to result in the amino acid substitution p.Ile457Phe. To our knowledge, this variant has not been reported in the literature. This variant is reported in 0.0070% of alleles in individuals of European (Non-Finnish) descent in gnomAD. At this time, the clinical significance of this variant is uncertain due to the absence of conclusive functional and genetic evidence.

Natera, Inc.
Classification: Uncertain significance for Andermann syndrome. Last evaluated: 2020-04-18. Review status: no assertion criteria provided. Collection method: clinical testing. Allele origin: germline. Not counted in ClinVar's aggregate classification.